The following is an entry in ClinVar:

ClinVar aggregate classification (germline): Uncertain significance (1 of 4 stars; one submission).

Conditions:
Tuberous sclerosis 2 (TSC2). Identifiers: Orphanet 805, MedGen C1860707, MONDO:0013199, OMIM 613254.

Submission:

Labcorp Genetics (formerly Invitae), Labcorp
Classification: Uncertain significance for Tuberous sclerosis 2. Last evaluated: 2023-03-20. Review status: criteria provided, single submitter. Criteria: Invitae Variant Classification Sherloc (09022015). Collection method: clinical testing. Allele origin: germline.
Comment: Advanced modeling of protein sequence and biophysical properties (such as structural, functional, and spatial information, amino acid conservation, physicochemical variation, residue mobility, and thermodynamic stability) performed at Invitae indicates that this missense variant is not expected to disrupt TSC2 protein function. In summary, the available evidence is currently insufficient to determine the role of this variant in disease. Therefore, it has been classified as a Variant of Uncertain Significance. ClinVar contains an entry for this variant (Variation ID: 1035884). This variant has not been reported in the literature in individuals affected with TSC2-related conditions. This variant is not present in population databases (gnomAD no frequency). This sequence change replaces lysine, which is basic and polar, with asparagine, which is neutral and polar, at codon 144 of the TSC2 protein (p.Lys144Asn).

NM_000548.5(TSC2):c.432G>C (p.Lys144Asn)

Gene: TSC2 (TSC complex subunit 2; plus strand). Cytogenetic location: 16p13.3.
Variant type: single nucleotide variant.
Coding change: c.432G>C on transcript NM_000548.5 (MANE Select); coding-DNA position 432, G replaced by C.
Protein change: p.Lys144Asn; replaces lysine 144 with asparagine.
Molecular consequence: missense variant. On other transcripts: intron variant (1).
Genome position (GRCh38, 1-based): chr16:2,054,391, G>C. VCF-style: chr16-2054391-G-C. GRCh37 (hg19) VCF-style: chr16-2104392-G-C.
Other names: c.432G>C, p.Lys144Asn (NM_001077183.3, NM_001114382.3, NM_001363528.2 and 3 more transcripts); c.321G>C, p.Lys107Asn (NM_001318827.2); c.285G>C, p.Lys95Asn (NM_001318829.2); c.465G>C, p.Lys155Asn (NM_001318832.2); c.-1-1805G>C (NM_001318831.2); short protein forms K144N, K95N, K155N, K107N.
Identifiers: ClinVar variation 1035884 (VCV001035884.8), dbSNP rs2085509615, ClinGen allele CA394307337.